The following is an entry in ClinVar:

NM_031892.3(SH3KBP1):c.1571A>G (p.His524Arg)

Gene: SH3KBP1 (SH3 domain containing kinase binding protein 1; minus strand). Cytogenetic location: Xp22.12.
Variant type: single nucleotide variant.
Coding change: c.1571A>G on transcript NM_031892.3 (MANE Select); coding-DNA position 1571, A replaced by G.
Protein change: p.His524Arg; replaces histidine 524 with arginine.
Molecular consequence: missense variant. On other transcripts: intron variant (5).
Genome position (GRCh38, 1-based): chrX:19,545,974, T>C on the plus strand (A>G on the coding strand, the complement: SH3KBP1 is on the minus strand). VCF-style: chrX-19545974-T-C. GRCh37 (hg19) VCF-style: chrX-19564092-T-C.
Other names: c.1460A>G, p.His487Arg (NM_001024666.3); c.857A>G, p.His286Arg (NM_001184960.2); c.1646A>G, p.His549Arg (NM_001353891.2); c.1469A>G, p.His490Arg (NM_001353893.2); c.1703A>G, p.His568Arg (NM_001410756.1); c.1495-3781A>G (NM_001353890.2); c.1570-3781A>G (NM_001353892.2); c.1393-3781A>G (NM_001353894.2); and 2 more; short protein forms H487R, H524R, H568R, H286R, H549R, H490R.
Identifiers: ClinVar variation 2102074 (VCV002102074.4), dbSNP rs1432772544, ClinGen allele CA412496395.

ClinVar aggregate classification (germline): Uncertain significance (1 of 4 stars; one submission).

Allele frequency attached by ClinVar (database versions not stated): gnomAD exomes below 0.00001; gnomAD 0.00002.
gnomAD v4.1: 6 of 1,209,144 alleles (0.0005%); highest among the groups gnomAD compares: South Asian, 0.011%; no homozygotes.

Submission:

Labcorp Genetics (formerly Invitae), Labcorp
Classification: Uncertain significance. Last evaluated: 2022-02-22. Review status: criteria provided, single submitter. Criteria: Invitae Variant Classification Sherloc (09022015). Collection method: clinical testing. Allele origin: germline.
Comment: In summary, the available evidence is currently insufficient to determine the role of this variant in disease. Therefore, it has been classified as a Variant of Uncertain Significance. Algorithms developed to predict the effect of missense changes on protein structure and function are either unavailable or do not agree on the potential impact of this missense change (SIFT: "Tolerated"; PolyPhen-2: "Possibly Damaging"; Align-GVGD: "Class C0"). This variant has not been reported in the literature in individuals affected with SH3KBP1-related conditions. This variant is present in population databases (no rsID available, gnomAD 0.005%). This sequence change replaces histidine, which is basic and polar, with arginine, which is basic and polar, at codon 524 of the SH3KBP1 protein (p.His524Arg).